The following is an entry in ClinVar:

ClinVar aggregate classification (germline): Likely pathogenic (1 of 4 stars; one submission).

Conditions:
Vici syndrome (VICIS). Identifiers: Orphanet 1493, MedGen C1855772, MONDO:0009452, OMIM 242840.

Allele frequency attached by ClinVar (database versions not stated): TOPMed below 0.00001; ESP Exome Variant Server 0.00008.

Submission:

Labcorp Genetics (formerly Invitae), Labcorp
Classification: Likely pathogenic for Vici syndrome. Last evaluated: 2024-04-09. Review status: criteria provided, single submitter. Criteria: Invitae Variant Classification Sherloc (09022015). Collection method: clinical testing. Allele origin: germline.
Comment: This sequence change affects an acceptor splice site in intron 25 of the EPG5 gene. It is expected to disrupt RNA splicing. Variants that disrupt the donor or acceptor splice site typically lead to a loss of protein function (PMID: 16199547), and loss-of-function variants in EPG5 are known to be pathogenic (PMID: 23222957, 23674064). This variant is not present in population databases (gnomAD no frequency). This variant has not been reported in the literature in individuals affected with EPG5-related conditions. Algorithms developed to predict the effect of sequence changes on RNA splicing suggest that this variant may disrupt the consensus splice site. In summary, the currently available evidence indicates that the variant is pathogenic, but additional data are needed to prove that conclusively. Therefore, this variant has been classified as Likely Pathogenic.

Literature cited by the submitters: PubMed 16199547; PubMed 23222957; PubMed 23674064.

NM_020964.3(EPG5):c.4475-2A>C

Gene: EPG5 (ectopic P-granules 5 autophagy tethering factor; minus strand). Cytogenetic location: 18q21.1.
Variant type: single nucleotide variant.
Coding change: c.4475-2A>C on transcript NM_020964.3 (MANE Select); the canonical splice acceptor site of the intron before coding-DNA position 4475, A replaced by C.
Molecular consequence: splice acceptor variant.
Genome position (GRCh38, 1-based): chr18:45,901,169, T>G on the plus strand (A>C on the coding strand, the complement: EPG5 is on the minus strand). VCF-style: chr18-45901169-T-G. GRCh37 (hg19) VCF-style: chr18-43481134-T-G.
Other names: c.4475-2A>C (NM_001410858.1, NM_001410859.1).
Identifiers: ClinVar variation 2784263 (VCV002784263.3), dbSNP rs373558595, ClinGen allele CA299752407.